The following is an entry in ClinVar:

NC_000005.9:g.(?_13917246)_(13919467_?)del

Gene: DNAH5 (dynein axonemal heavy chain 5; minus strand). Cytogenetic location: 5p15.2.
Variant type: Deletion.
Identifiers: ClinVar variation 1066940 (VCV001066940.3).

ClinVar aggregate classification (germline): Likely pathogenic (1 of 4 stars; one submission).

Conditions:
Primary ciliary dyskinesia. Also called: Ciliary dyskinesia. Identifiers: Orphanet 244, MedGen C0008780, MONDO:0016575, HP:0012265.

Submission:

Labcorp Genetics (formerly Invitae), Labcorp
Classification: Likely pathogenic for Primary ciliary dyskinesia. Last evaluated: 2016-11-19. Review status: criteria provided, single submitter. Criteria: Invitae Variant Classification Sherloc (09022015). Collection method: clinical testing. Allele origin: germline.
Comment: The evidence indicates that the variant is pathogenic, but additional data is needed to prove that conclusively. Therefore, this variant has been classified as Likely Pathogenic. While it is currently unknown if these two variants are on the same or opposite chromosomes, this observation suggests that this deletion may contribute to the cause of disease. Experimental studies and prediction algorithms are not available for this variant, and the functional significance of the deleted region is currently unknown. This variant has not been reported in the literature in an individual with a DNAH5-related disease. This sequence change is a gross deletion of the genomic region involving exons 7-8 of the DNAH5 gene. This deletion removes all of exon 7 and most of exon 8. While it is uncertain how this deletion affects mRNA splicing, it is expected to result in a disrupted DNAH5 protein with an in-frame deletion of ~97 amino acids.